The following is an entry in ClinVar:

ClinVar aggregate classification (germline): Conflicting classifications of pathogenicity. Review status: criteria provided, conflicting classifications (1 of 4 stars). 2 submissions from 2 submitters: Pathogenic (1); Uncertain significance (1). Last evaluated 2025-03-04.

Conditions:
Hypertrophic cardiomyopathy 4. Also called: Familial hypertrophic cardiomyopathy 4. Identifiers: MedGen C1861862, MONDO:0007268, OMIM 115197.

Submissions (2):

Institute of Human Genetics, University of Leipzig Medical Center
Classification: Pathogenic for Hypertrophic cardiomyopathy 4. Last evaluated: 2025-03-04. Review status: criteria provided, single submitter. Criteria: ACMG Guidelines, 2015. Collection method: clinical testing. Allele origin: unknown. Inheritance: Autosomal dominant inheritance. Affected: yes.
Comment: Criteria applied: PVS1,PS1,PM2_SUP

Blueprint Genetics
Classification: Uncertain significance. Last evaluated: 2024-08-29. Review status: criteria provided, single submitter. Criteria: ACMG Guidelines, 2015. Collection method: clinical testing. Allele origin: germline.

NM_000256.3(MYBPC3):c.1898-1G>T

Gene: MYBPC3 (myosin binding protein C3; minus strand). Cytogenetic location: 11p11.2.
Variant type: single nucleotide variant.
Coding change: c.1898-1G>T on transcript NM_000256.3 (MANE Select); the canonical splice acceptor site of the intron before coding-DNA position 1898, G replaced by T.
Molecular consequence: splice acceptor variant.
Genome position (GRCh38, 1-based): chr11:47,341,033, C>A on the plus strand (G>T on the coding strand, the complement: MYBPC3 is on the minus strand). VCF-style: chr11-47341033-C-A. GRCh37 (hg19) VCF-style: chr11-47362584-C-A.
Identifiers: ClinVar variation 3773673 (VCV003773673.3).